The following is an entry in ClinVar:

ClinVar aggregate classification (germline): Uncertain significance (1 of 4 stars; one submission).

Conditions:
Marfan syndrome (MFS). Also called: MARFAN SYNDROME, TYPE I; Marfan syndrome type 1; Marfan's syndrome; Marfan syndrome, classic; FBN1-Related Marfan Syndrome. Identifiers: Orphanet 284963, Orphanet 558, MedGen C0024796, MONDO:0007947, OMIM 154700.

Submission:

All of Us Research Program, National Institutes of Health
Classification: Uncertain significance for Marfan syndrome. Last evaluated: 2023-10-06. Review status: criteria provided, single submitter. Criteria: ACMG Guidelines, 2015. Collection method: clinical testing. Allele origin: germline. Inheritance: Autosomal dominant inheritance. Observed: 1 variant allele, 1 heterozygote.
Comment: This missense variant replaces glutamine with leucine at codon 2553 of the FBN1 protein. Computational prediction tool is inconclusive regarding the impact of this variant on protein structure and function (internally defined REVEL score threshold 0.5 < inconclusive < 0.7, PMID: 27666373). To our knowledge, functional studies have not been reported for this variant. This variant has not been reported in individuals affected with FBN1-related disorders in the literature. This variant has not been identified in the general population by the Genome Aggregation Database (gnomAD). The available evidence is insufficient to determine the role of this variant in disease conclusively. Therefore, this variant is classified as a Variant of Uncertain Significance.

This study involves interpretation of variants in research participants for the purpose of population health screening. Participant phenotype was not available at the time of variant classification. Additional details can be found in publication PMID: 35346344, PMCID: PMC8962531

NM_000138.5(FBN1):c.7658A>T (p.Gln2553Leu)

Gene: FBN1 (fibrillin 1; minus strand). Cytogenetic location: 15q21.1.
Variant type: single nucleotide variant.
Coding change: c.7658A>T on transcript NM_000138.5 (MANE Select); coding-DNA position 7658, A replaced by T.
Protein change: p.Gln2553Leu; replaces glutamine 2553 with leucine.
Molecular consequence: missense variant.
Genome position (GRCh38, 1-based): chr15:48,421,599, T>A on the plus strand (A>T on the coding strand, the complement: FBN1 is on the minus strand). VCF-style: chr15-48421599-T-A. GRCh37 (hg19) VCF-style: chr15-48713796-T-A.
Other names: c.7658A>T, p.Gln2553Leu (NM_001406716.1); short protein forms Q2553L.
Identifiers: ClinVar variation 3073778 (VCV003073778.1), dbSNP rs2505397841, ClinGen allele CA392325083.